The following is an entry in ClinVar:

NM_001080397.3(SLC45A1):c.86C>T (p.Thr29Met)

Gene: SLC45A1 (solute carrier family 45 member 1; plus strand). Cytogenetic location: 1p36.23.
Variant type: single nucleotide variant.
Coding change: c.86C>T on transcript NM_001080397.3 (MANE Select); coding-DNA position 86, C replaced by T.
Protein change: p.Thr29Met; replaces threonine 29 with methionine.
Molecular consequence: missense variant. On other transcripts: intron variant (2).
Genome position (GRCh38, 1-based): chr1:8,324,415, C>T. VCF-style: chr1-8324415-C-T. GRCh37 (hg19) VCF-style: chr1-8384475-C-T.
Other names: c.86C>T, p.Thr29Met (NM_001379614.1, NM_001379615.1, NM_001379616.1); c.-116-1403C>T (NM_001379617.1, NM_001379618.1); short protein forms T29M.
Identifiers: ClinVar variation 2342682 (VCV002342682.5), dbSNP rs376642457, ClinGen allele CA569998.

ClinVar aggregate classification (germline): Uncertain significance. Review status: criteria provided, multiple submitters, no conflicts (2 of 4 stars). 2 submissions from 2 submitters: Uncertain significance (2). Last evaluated 2025-07-15.

Conditions:
Intellectual developmental disorder with neuropsychiatric features. Identifiers: MedGen C4479636, MONDO:0044322, OMIM 617532.

Allele frequency attached by ClinVar (database versions not stated): gnomAD 0.00003; TOPMed 0.00003; ESP Exome Variant Server 0.00008; ExAC 0.00016.
gnomAD v4.1: 100 of 1,612,592 alleles (0.0062%); highest among the groups gnomAD compares: South Asian, 0.046%; 1 homozygote.

Submissions (2):

Ambry Genetics
Classification: Uncertain significance. Last evaluated: 2025-07-15. Review status: criteria provided, single submitter. Criteria: Ambry Variant Classification Scheme 2023. Collection method: clinical testing. Allele origin: germline.

Neuberg Centre For Genomic Medicine, NCGM
Classification: Uncertain significance for Intellectual developmental disorder with neuropsychiatric features. Last evaluated: 2023-06-22. Review status: criteria provided, single submitter. Criteria: ACMG Guidelines, 2015. Collection method: clinical testing. Allele origin: germline. Inheritance: Autosomal recessive inheritance. Affected: yes.
Comment: The missense c.86C>T (p.Thr29Met) variant in the SLC45A1 gene has not been reported previously as a pathogenic variant nor as a benign variant, to our knowledge. This variant is reported with the allele frequency of 0.01% in the gnomAD Exomes. This variant has been reported to the ClinVar database as Uncertain significance. Computational evidence (SIFT - Damaging and MutationTaster -Disease causing) predicts conflicting evidence on protein structure and function for this variant. The reference amino acid at this position in SLC45A1 is predicted as conserved by GERP++ and PhyloP across 100 vertebrates. The amino acid Threonine at position 29 is changed to a Methionine changing protein sequence and it might alter its composition and physico-chemical properties. For these reasons, this variant has been classified as Variant of Uncertain Significance (VUS).